The following is an entry in ClinVar:

ClinVar aggregate classification (germline): Uncertain significance (1 of 4 stars; one submission).

Allele frequency attached by ClinVar (database versions not stated): gnomAD exomes 0.00001; TOPMed 0.00001; ExAC 0.00002; gnomAD 0.00003.

Submission:

Labcorp Genetics (formerly Invitae), Labcorp
Classification: Uncertain significance. Last evaluated: 2025-01-19. Review status: criteria provided, single submitter. Criteria: Invitae Variant Classification Sherloc (09022015). Collection method: clinical testing. Allele origin: germline.
Comment: This sequence change replaces arginine, which is basic and polar, with glutamine, which is neutral and polar, at codon 2284 of the DCHS1 protein (p.Arg2284Gln). This variant is present in population databases (rs756311038, gnomAD 0.01%). This variant has not been reported in the literature in individuals affected with DCHS1-related conditions. ClinVar contains an entry for this variant (Variation ID: 2994803). Invitae Evidence Modeling of protein sequence and biophysical properties (such as structural, functional, and spatial information, amino acid conservation, physicochemical variation, residue mobility, and thermodynamic stability) indicates that this missense variant is not expected to disrupt DCHS1 protein function with a negative predictive value of 80%. In summary, the available evidence is currently insufficient to determine the role of this variant in disease. Therefore, it has been classified as a Variant of Uncertain Significance.

NM_003737.4(DCHS1):c.6851G>A (p.Arg2284Gln)

Gene: DCHS1 (dachsous cadherin-related 1; minus strand). Cytogenetic location: 11p15.4.
Variant type: single nucleotide variant.
Coding change: c.6851G>A on transcript NM_003737.4 (MANE Select); coding-DNA position 6851, G replaced by A.
Protein change: p.Arg2284Gln; replaces arginine 2284 with glutamine.
Molecular consequence: missense variant.
Genome position (GRCh38, 1-based): chr11:6,625,608, C>T on the plus strand (G>A on the coding strand, the complement: DCHS1 is on the minus strand). VCF-style: chr11-6625608-C-T. GRCh37 (hg19) VCF-style: chr11-6646839-C-T.
Other names: short protein forms R2284Q.
Identifiers: ClinVar variation 2994803 (VCV002994803.3), dbSNP rs756311038, ClinGen allele CA5859756.